The following continues an entry in ClinVar:

NM_002834.5(PTPN11):c.124A>G (p.Thr42Ala)

Gene: PTPN11. ClinVar aggregate classification (germline): Pathogenic. Pathogenic (19). ClinVar aggregate classification (somatic clinical impact): Tier II - Potential.

Submissions 11 to 23 of 23:

New York Genome Center
Classification: Pathogenic for Noonan syndrome 1. Last evaluated: 2021-11-12. Review status: criteria provided, single submitter. Criteria: NYGC Assertion Criteria 2020. Collection method: clinical testing. Allele origin: de novo. Affected: yes. Observed: 1 heterozygote. Study: PrenatalSEQ.
Comment: The de novo c.124A>G (p.Thr42Ala) variant identified in the PTPN11 gene substitutes a moderatley conserved Threonine for Alanine at amino acid 42/594 (exon 2/16). This variant is absent from gnomAD(v3.1.1) suggesting it is not a common benign variant in the populations represented in that database. The variant is predicted deleterious by multiple in silico prediction tools (CADD score = 25.3, REVEL score = 0.794). This variant is reported in ClinVar as Pathogenic (VarID: 40482), and has been reported in many individuals in the literature with Noonan syndrome [PMID:11992261, 15001945, 12960218, 29988639, 31560489, other]. Functional studies suggest that the p.Thr42Ala variant promotes increased phosphopeptide-binding affinity [PMID:18372317]. Given its presence de novo, absence in population databases, presence in multiple affected individuals in the literature, and functional studies suggesting a significant increase in phosphopeptide binding affinity, the c.124A>G (p.Thr42Ala) variant identified in the PTPN11 gene is reported as Pathogenic.

Fulgent Genetics
Classification: Pathogenic for LEOPARD syndrome 1; Metachondromatosis; Noonan syndrome 1; Juvenile myelomonocytic leukemia. Last evaluated: 2021-09-17. Review status: criteria provided, single submitter. Criteria: ACMG Guidelines, 2015. Collection method: clinical testing. Allele origin: unknown.

Blueprint Genetics
Classification: Pathogenic for PTPN11-related disorders. Last evaluated: 2021-08-13. Review status: criteria provided, single submitter. Criteria: ACMG Guidelines, 2015. Collection method: clinical testing. Allele origin: germline. Affected: yes. Observed: 5 variant alleles.

Baylor Genetics
Classification: Pathogenic for Noonan syndrome 1. Last evaluated: 2020-06-03. Review status: criteria provided, single submitter. Criteria: ACMG Guidelines, 2015. Collection method: clinical testing. Allele origin: de novo. Affected: yes.
Comment: This variant was determined to be pathogenic according to ACMG Guidelines, 2015 [PMID:25741868].

Women's Health and Genetics/Laboratory Corporation of America, LabCorp
Classification: Pathogenic for Rasopathy. Last evaluated: 2019-03-25. Review status: criteria provided, single submitter. Criteria: LabCorp Variant Classification Summary - May 2015. Collection method: clinical testing. Allele origin: germline.
Comment: Variant summary: PTPN11 c.124A>G (p.Thr42Ala) results in a non-conservative amino acid change located in the SH2 domain of the encoded protein sequence. Four of five in-silico tools predict a damaging effect of the variant on protein function. The variant was absent in 246614 control chromosomes (gnomAD). c.124A>G has been reported in the literature in multiple individuals affected with Noonan Syndrome, including de novo cases (Tartaglia_2002, Sarkozy_2003, Zenker_2004, Lee_2007, VanTrier_2015, Tamura_2018, Ezquieta_2012). These data indicate that the variant is very likely to be associated with disease. This variant exhibits increased affinity for mono-Tyr(P) peptide and phosphopeptide (Keilhack_2005 and Martinelli_2008), which is believed to be one of the mechanisms of SHP2's functional dysregulation. Four ClinVar submissions from clinical diagnostic laboratories (evaluation after 2014) cites the variant as pathogenic. Based on the evidence outlined above, the variant was classified as pathogenic.

Genome Diagnostics Laboratory, The Hospital for Sick Children
Classification: Pathogenic for Noonan syndrome and Noonan-related syndrome. Last evaluated: 2018-12-01. Review status: criteria provided, single submitter. Criteria: ACMG Guidelines, 2015. Collection method: clinical testing. Allele origin: germline. Affected: yes.

Laboratory for Molecular Medicine, Mass General Brigham Personalized Medicine
Classification: Pathogenic for Noonan syndrome. Last evaluated: 2013-01-25. Review status: criteria provided, single submitter. Criteria: LMM Criteria. Collection method: clinical testing. Allele origin: germline. Observed: 4 variant alleles.
Comment: This variant was reported to have occurred de novo in at le ast one of these individuals (Digilio 2012). In summary, this variant meets our criteria to be classified as pathogenic.

Centre for Human Genetics, University of Kinshasa
Classification: Pathogenic for Noonan syndrome 1. Review status: criteria provided, single submitter. Criteria: ACMG Guidelines, 2015. Collection method: research. Allele origin: de novo. Inheritance: Autosomal dominant inheritance. Affected: yes.
Comment: This variants is in PTPN11 and is associated with Noonan 1. This variant occurred the novo, with confirmed parentage. The variant is predicted to cause a missense substitution is a gene in altered gene product structure is a known mechanism of pathogenicity for the condition. The variant is absent from the gnomAD database. This variant was previously submitted to ClinVar and classified as Pathogenic. We classified this variant as Pathogenic based on the following items PM2, PS1, PS3, PS2, PP5, PP4. The posterior probability score of pathogenicity of 1.00

Lifecell International Pvt. Ltd
Classification: Pathogenic for Noonan syndrome 1. Review status: criteria provided, single submitter. Criteria: ACMG Guidelines, 2015. Collection method: clinical testing. Allele origin: germline. Inheritance: Autosomal dominant inheritance. Affected: yes. Observed: 1 compound heterozygote.
Comment: A Heterozygous Missense variant c.124A>G in Exon 2 of the PTPN11 gene that results in the amino acid substitution p.Thr42Ala was identified. The observed variant has a minor allele frequency of 0% in gnomAD exomes and genomes, respectively. The severity of the impact of this variant on the protein is medium, based on the effect of the protein and REVEL score. Rare Exome Variant Ensemble Learner (REVEL) is an ensembl method for predicting the pathogenicity of missense variants based on a combination of scores from 13 individual tools: MutPred, FATHMM v2.3, VEST 3.0, PolyPhen-2, SIFT, PROVEAN, MutationAssessor, MutationTaster, LRT, GERP++, SiPhy, phyloP, and phastCons. The REVEL score for an individual missense variant can range from 0 to 1, with higher scores reflecting greater likelihood that the variant is disease-causing. This variant has previously reported for patients with RASopathies by Digilio MC, et, al., 2012. Functional studies showed increased phosphopeptide binding affinity and dephosphorylation (Martinelli S et al.,2008.) ClinVar has also classified this variant as Pathogenic (Variant ID: 40482). Based on the above evidence this variant has been classified as Pathogenic according to the ACMG guidelines.

Neuberg Centre For Genomic Medicine, NCGM
Classification: Pathogenic for Noonan syndrome 1. Review status: criteria provided, single submitter. Criteria: ACMG Guidelines, 2015. Collection method: clinical testing. Allele origin: germline. Inheritance: Autosomal dominant inheritance. Affected: yes.
Comment: The observed missense c.124A>G(p.Thr42Ala) variant in PTPN11 gene has been reported previously in multiple individuals affected with Noonan syndrome (Tamura A, et al., 2018; Digilio MC, et al., 2013; Tartaglia M, et al., 2006). Functional studies showed that this variant results in increased phosphopeptide binding affinity and dephosphorylation supporting the proposed molecular mechanism of its pathogenicity (Martinelli S, et al., 2008). The p.Thr42Ala variant is absent in gnomAD Exomes. This variant has been reported to the ClinVar database as Pathogenic (multiple submissions). Multiple lines of computational evidences (Polyphen - Possibly damaging, SIFT - Tolerated and MutationTaster - Disease causing) predict conflicting evidence on protein structure and function for this variant. The reference amino acid change at this position on PTPN11 gene is predicted as conserved by GERP++ and PhyloP across 100 vertebrates. The amino acid Thr at position 42 is changed to a Ala changing protein sequence and it might alter its composition and physico-chemical properties. For these reasons, this variant has been classified as Pathogenic.

Greenwood Genetic Center Diagnostic Laboratories, Greenwood Genetic Center
Classification: Pathogenic. Last evaluated: 2015-01-15. Review status: no assertion criteria provided. Collection method: clinical testing. Allele origin: germline. Not counted in ClinVar's aggregate classification.

ARUP Laboratories, Molecular Genetics and Genomics, ARUP Laboratories
Classification: Pathogenic for Noonan syndrome. Last evaluated: 2012-01-27. Review status: no assertion criteria provided. Collection method: clinical testing. Allele origin: germline. Affected: yes. Observed: 1 variant allele. Not counted in ClinVar's aggregate classification.

Molecular Genetics, Centre for Human Genetics
Classification: Pathogenic for Noonan syndrome 1. Review status: no assertion criteria provided. Collection method: clinical testing. Allele origin: de novo. Inheritance: Autosomal dominant inheritance. Affected: yes. Observed: 1 variant allele. Not counted in ClinVar's aggregate classification.

Literature cited by the submitters: PubMed 11992261 (cited by 5 submitters); PubMed 24935154 (cited by Victorian Clinical Genetics Services, Murdoch Childrens Research Institute); PubMed 21533187 (cited by Victorian Clinical Genetics Services, Murdoch Childrens Research Institute); PubMed 12960218 (cited by 4 submitters); PubMed 15001945 (cited by 4 submitters); PubMed 15987685 (cited by 4 submitters); PubMed 16990350 (cited by Ambry Genetics and Laboratory for Molecular Medicine, Mass General Brigham Personalized Medicine); PubMed 17661820 (cited by 4 submitters); PubMed 18372317 (cited by 7 submitters); PubMed 22781091 (cited by 5 submitters); PubMed 23584145 (cited by Ambry Genetics and Labcorp Genetics (formerly Invitae), Labcorp); PubMed 25425531 (cited by Ambry Genetics); PubMed 28483241 (cited by Ambry Genetics); PubMed 29988639 (cited by 3 submitters); PubMed 30050098 (cited by Ambry Genetics); PubMed 30417923 (cited by Ambry Genetics); PubMed 16358218 (cited by Labcorp Genetics (formerly Invitae), Labcorp); PubMed 21590266 (cited by Labcorp Genetics (formerly Invitae), Labcorp); PubMed 28966033 (cited by Institute for Genomic Medicine (IGM) Clinical Laboratory, Nationwide Children's Hospital); PubMed 29763623 (cited by Institute for Genomic Medicine (IGM) Clinical Laboratory, Nationwide Children's Hospital); PubMed 28912153 (cited by Institute for Genomic Medicine (IGM) Clinical Laboratory, Nationwide Children's Hospital); PubMed 35697228 (cited by Institute for Genomic Medicine (IGM) Clinical Laboratory, Nationwide Children's Hospital); PubMed 31560489 (cited by New York Genome Center); PubMed 12717436 (cited by Women's Health and Genetics/Laboratory Corporation of America, LabCorp); PubMed 22190897 (cited by Women's Health and Genetics/Laboratory Corporation of America, LabCorp); PubMed 25862627 (cited by Women's Health and Genetics/Laboratory Corporation of America, LabCorp); PubMed 16892325 (cited by Laboratory for Molecular Medicine, Mass General Brigham Personalized Medicine); PubMed 29300386 (cited by Centre for Human Genetics, University of Kinshasa).